The following is an entry in ClinVar:

ClinVar aggregate classification (germline): Pathogenic/Likely pathogenic. Review status: criteria provided, multiple submitters, no conflicts (2 of 4 stars). 3 submissions from 3 submitters: Pathogenic (1); Likely pathogenic (2). Last evaluated 2024-08-20.

Conditions:
MPI-congenital disorder of glycosylation. Also called: MANNOSEPHOSPHATE ISOMERASE DEFICIENCY; PROTEIN-LOSING ENTEROPATHY-HEPATIC FIBROSIS SYNDROME; CONGENITAL DISORDER OF GLYCOSYLATION, TYPE Ib; CDG Ib; MPI-CDG; MPI DEFICIENCY. Identifiers: Orphanet 79319, MedGen C1865145, MONDO:0011257, OMIM 602579.

Submissions (3):

Natera, Inc.
Classification: Likely pathogenic for Congenital disorder of glycosylation type 1b. Last evaluated: 2024-08-20. Review status: criteria provided, single submitter. Criteria: Natera Variant Classification Schema (03/2026). Collection method: clinical testing. Allele origin: germline.
Comment: The c.1022del variant in MPI is a frameshift variant predicted to shift the reading frame beginning at codon 341 and leads to a stop codon 8 codons downstream. This variant is expected to result in nonsense mediated decay, truncation, or a dysfunctional protein product. This variant is rare in the general population with a frequency below the threshold expected for the associated phenotype(s). Given the available evidence, this variant is classified as Likely Pathogenic.

Labcorp Genetics (formerly Invitae), Labcorp
Classification: Pathogenic for MPI-congenital disorder of glycosylation. Last evaluated: 2023-02-04. Review status: criteria provided, single submitter. Criteria: Invitae Variant Classification Sherloc (09022015). Collection method: clinical testing. Allele origin: germline.
Comment: This sequence change creates a premature translational stop signal (p.Pro341Leufs*8) in the MPI gene. While this is not anticipated to result in nonsense mediated decay, it is expected to disrupt the last 83 amino acid(s) of the MPI protein. The frequency data for this variant in the population databases is considered unreliable, as metrics indicate poor data quality at this position in the gnomAD database. This variant has not been reported in the literature in individuals affected with MPI-related conditions. This variant disrupts a region of the MPI protein in which other variant(s) (p.Ile398Thr) have been determined to be pathogenic (PMID: 10484808, 30545931). This suggests that this is a clinically significant region of the protein, and that variants that disrupt it are likely to be disease-causing. For these reasons, this variant has been classified as Pathogenic.

Revvity Omics, Revvity
Classification: Likely pathogenic for MPI-congenital disorder of glycosylation. Last evaluated: 2022-04-12. Review status: criteria provided, single submitter. Criteria: ACMG Guidelines, 2015. Collection method: clinical testing. Allele origin: germline.

Literature cited by the submitters: PubMed 10484808 (cited by Labcorp Genetics (formerly Invitae), Labcorp); PubMed 30545931 (cited by Labcorp Genetics (formerly Invitae), Labcorp).

NM_002435.3(MPI):c.1022del (p.Pro341fs)

Gene: MPI (mannose phosphate isomerase; plus strand). Cytogenetic location: 15q24.1.
Variant type: Deletion.
Coding change: c.1022del on transcript NM_002435.3 (MANE Select); coding-DNA position 1022, one base deleted (C; older notation c.1022delC).
Protein change: p.Pro341fs; shifts the reading frame from proline 341.
Molecular consequence: frameshift variant. On other transcripts: intron variant (1).
Genome position (GRCh38, 1-based): chr15:74,897,188, C deleted; the last of 6 consecutive C bases (chr15:74,897,183-74,897,188); deleting any one gives the same sequence. VCF-style (leftmost placement, unchanged base first): chr15-74897182-AC-A. GRCh37 (hg19) VCF-style: chr15-75189523-AC-A.
Other names: c.1022del (NM_002435.2); c.872del, p.Pro291fs (NM_001289156.2); c.839del, p.Pro280fs (NM_001289157.2); c.962del, p.Pro321fs (NM_001330372.2); c.845-324del (NM_001289155.2); short protein forms P280fs, P291fs, P321fs, P341fs.
Identifiers: ClinVar variation 2441468 (VCV002441468.7), dbSNP rs765310894, ClinGen allele CA7662614.